The following is an entry in ClinVar:

NM_030957.4(ADAMTS10):c.2419G>A (p.Glu807Lys)

Gene: ADAMTS10 (ADAM metallopeptidase with thrombospondin type 1 motif 10; minus strand). Cytogenetic location: 19p13.2.
Variant type: single nucleotide variant.
Coding change: c.2419G>A on transcript NM_030957.4 (MANE Select); coding-DNA position 2419, G replaced by A.
Protein change: p.Glu807Lys; replaces glutamic acid 807 with lysine.
Molecular consequence: missense variant.
Genome position (GRCh38, 1-based): chr19:8,586,455, C>T on the plus strand (G>A on the coding strand, the complement: ADAMTS10 is on the minus strand). VCF-style: chr19-8586455-C-T. GRCh37 (hg19) VCF-style: chr19-8651339-C-T.
Other names: c.880G>A, p.Glu294Lys (NM_001282352.2); short protein forms E807K, E294K.
Identifiers: ClinVar variation 2086358 (VCV002086358.1), dbSNP rs376876724, ClinGen allele CA9160103.

ClinVar aggregate classification (germline): Uncertain significance (1 of 4 stars; one submission).

Allele frequency attached by ClinVar (database versions not stated): gnomAD exomes 0.00001; gnomAD 0.00002; ExAC 0.00003; TOPMed 0.00003; ESP Exome Variant Server 0.00008.
gnomAD v4.1: 26 of 1,613,572 alleles (0.0016%); highest among the groups gnomAD compares: South Asian, 0.0077%; no homozygotes.

Submission:

Labcorp Genetics (formerly Invitae), Labcorp
Classification: Uncertain significance. Last evaluated: 2022-08-19. Review status: criteria provided, single submitter. Criteria: Invitae Variant Classification Sherloc (09022015). Collection method: clinical testing. Allele origin: germline.
Comment: This sequence change replaces glutamic acid, which is acidic and polar, with lysine, which is basic and polar, at codon 807 of the ADAMTS10 protein (p.Glu807Lys). This variant is present in population databases (rs376876724, gnomAD 0.02%). This variant has not been reported in the literature in individuals affected with ADAMTS10-related conditions. Algorithms developed to predict the effect of missense changes on protein structure and function (SIFT, PolyPhen-2, Align-GVGD) all suggest that this variant is likely to be disruptive. In summary, the available evidence is currently insufficient to determine the role of this variant in disease. Therefore, it has been classified as a Variant of Uncertain Significance.